The following is an entry in ClinVar:

NM_015151.4(DIP2A):c.2079G>A (p.Leu693=)

Gene: DIP2A (disco interacting protein 2 homolog A; plus strand). Cytogenetic location: 21q22.3.
Variant type: single nucleotide variant.
Coding change: c.2079G>A on transcript NM_015151.4 (MANE Select); coding-DNA position 2079, G replaced by A.
Protein change: p.Leu693=; no amino-acid change (leucine 693 retained).
Molecular consequence: synonymous variant.
Genome position (GRCh38, 1-based): chr21:46,541,798, G>A. VCF-style: chr21-46541798-G-A. GRCh37 (hg19) VCF-style: chr21-47961711-G-A.
Other names: c.1950G>A, p.Leu650= (NM_001146115.2); c.2067G>A, p.Leu689= (NM_001146116.2); c.2082G>A, p.Leu694= (NM_001353942.2); c.2079G>A, p.Leu693= (NM_001353943.2, NM_001410751.1, NM_206889.3 and 2 more transcripts); c.1830G>A, p.Leu610= (NM_001353944.2).
Identifiers: ClinVar variation 3060508 (VCV003060508.2), dbSNP rs2070435, ClinGen allele CA10082240.

ClinVar aggregate classification (germline): Benign (0 of 4 stars; one submission).

Conditions:
DIP2A-related disorder. Also called: DIP2A-related condition.

Allele frequency attached by ClinVar (database versions not stated): gnomAD exomes 0.32703; ExAC 0.33999; gnomAD 0.36879; ESP Exome Variant Server 0.37032; TOPMed 0.37492; 1000 Genomes Project 30x 0.38445; 1000 Genomes Project 0.38738.
gnomAD v4.1: 534,910 of 1,613,500 alleles (33%); highest among the groups gnomAD compares: African/African-American, 50%; 90,971 homozygotes.

Submission:

PreventionGenetics, part of Exact Sciences
Classification: Benign for DIP2A-related condition. Last evaluated: 2019-10-18. Review status: no assertion criteria provided. Collection method: clinical testing. Allele origin: germline.
Comment: This variant is classified as benign based on ACMG/AMP sequence variant interpretation guidelines (Richards et al. 2015 PMID: 25741868, with internal and published modifications).